The following is an entry in ClinVar:

ClinVar aggregate classification (germline): Likely benign (1 of 4 stars; one submission).

Allele frequency attached by ClinVar (database versions not stated): 1000 Genomes Project 0.00040; 1000 Genomes Project 30x 0.00047; gnomAD 0.00298; ExAC 0.00523.

Submission:

CeGaT Center for Human Genetics Tuebingen
Classification: Likely benign. Last evaluated: 2025-12-01. Review status: criteria provided, single submitter. Criteria: CeGaT Center For Human Genetics Tuebingen Variant Classification Criteria Version 2. Collection method: clinical testing. Allele origin: germline. Affected: yes. Observed: 5 variant alleles.
Comment: NBPF10: BP4, BS2

NM_001302371.3(NBPF10):c.1092-7A>G

Gene: NBPF10 (NBPF member 10; minus strand). Cytogenetic location: 1q21.1.
Variant type: single nucleotide variant.
Coding change: c.1092-7A>G on transcript NM_001302371.3 (MANE Select); 7 bases into the intron before coding-DNA position 1092, A replaced by G.
Molecular consequence: intron variant.
Genome position (GRCh38, 1-based): chr1:146,135,528, T>C on the plus strand (A>G on the coding strand, the complement: NBPF10 is on the minus strand). VCF-style: chr1-146135528-T-C. GRCh37 (hg19) VCF-style: chr1-145302647-A-G.
Other names: c.1092-7A>G (NM_001039703.6).
Identifiers: ClinVar variation 3239096 (VCV003239096.19), dbSNP rs200948811.